The following is an entry in ClinVar:

NM_033337.3(CAV3):c.204C>A (p.Ser68=)

Genes: CAV3 (caveolin 3; plus strand), OXTR (oxytocin receptor; minus strand). Cytogenetic location: 3p25.3.
Variant type: single nucleotide variant.
Coding change: c.204C>A on transcript NM_033337.3 (MANE Select); coding-DNA position 204, C replaced by A.
Protein change: p.Ser68=; no amino-acid change (serine 68 retained).
Molecular consequence: synonymous variant.
Genome position (GRCh38, 1-based): chr3:8,745,615, C>A. VCF-style: chr3-8745615-C-A. GRCh37 (hg19) VCF-style: chr3-8787301-C-A.
Other names: c.204C>A, p.Ser68= (NM_001234.5).
Identifiers: ClinVar variation 31711 (VCV000031711.58), dbSNP rs116840775, ClinGen allele CA183493.

ClinVar aggregate classification (germline): Benign/Likely benign. Review status: criteria provided, multiple submitters, no conflicts (2 of 4 stars). 17 submissions from 17 submitters: Benign (5); Likely benign (5). 7 of the submissions do not count toward it. Last evaluated 2026-01-19.

Conditions:
CAV3-related disorder. Also called: CAV3-related condition.
Cardiovascular phenotype. Identifiers: MedGen CN230736.
Long QT syndrome (LQTS). Identifiers: MedGen C0023976, MeSH D008133, MONDO:0002442. Disease mechanism: loss of function. Inheritance: Various modes of inheritance.
Cardiomyopathy (CMYO). Also called: Cardiomyopathies. Identifiers: Orphanet 167848, MedGen C0878544, MONDO:0004994, HP:0001638. Inheritance: Various modes of inheritance.
Caveolinopathy. Identifiers: Orphanet 207078, MedGen C5679790, MONDO:0016146.

Allele frequency attached by ClinVar (database versions not stated): gnomAD 0.00007 and 0.00011; TOPMed 0.00007; ExAC 0.00009; gnomAD exomes 0.00009 and 0.00011; 1000 Genomes Project 30x 0.00031; 1000 Genomes Project 0.00040.
gnomAD v4.1: 185 of 1,614,134 alleles (0.011%); highest among the groups gnomAD compares: East Asian, 0.31%; no homozygotes.

Submissions (17):

Labcorp Genetics (formerly Invitae), Labcorp
Classification: Likely benign for Long QT syndrome. Last evaluated: 2026-01-19. Review status: criteria provided, single submitter. Criteria: Invitae Variant Classification Sherloc (09022015). Collection method: clinical testing. Allele origin: germline.

CeGaT Center for Human Genetics Tuebingen
Classification: Likely benign. Last evaluated: 2025-09-01. Review status: criteria provided, single submitter. Criteria: CeGaT Center For Human Genetics Tuebingen Variant Classification Criteria Version 2. Collection method: clinical testing. Allele origin: germline. Affected: yes. Observed: 2 variant alleles.
Comment: CAV3: BP4, BP7

Athena Diagnostics
Classification: Benign. Last evaluated: 2024-11-22. Review status: criteria provided, single submitter. Criteria: Athena Diagnostics Criteria. Collection method: clinical testing. Allele origin: unknown.

Blueprint Genetics
Classification: Likely benign. Last evaluated: 2024-10-21. Review status: criteria provided, single submitter. Criteria: ACMG Guidelines, 2015. Collection method: clinical testing. Allele origin: germline.

Women's Health and Genetics/Laboratory Corporation of America, LabCorp
Classification: Benign. Last evaluated: 2021-10-09. Review status: criteria provided, single submitter. Criteria: LabCorp Variant Classification Summary - May 2015. Collection method: clinical testing. Allele origin: germline.

CHEO Genetics Diagnostic Laboratory, Children's Hospital of Eastern Ontario
Classification: Benign for Cardiomyopathy. Last evaluated: 2018-09-21. Review status: criteria provided, single submitter. Criteria: ACMG Guidelines, 2015. Collection method: clinical testing. Allele origin: germline.

Illumina Laboratory Services, Illumina
Classification: Benign for Caveolinopathy. Last evaluated: 2018-01-13. Review status: criteria provided, single submitter. Criteria: ICSL Variant Classification Criteria 13 December 2019. Collection method: clinical testing. Allele origin: germline.
Comment: This variant was observed in the ICSL laboratory as part of a predisposition screen in an ostensibly healthy population. It had not been previously curated by ICSL or reported in the Human Gene Mutation Database (HGMD: prior to June 1st, 2018), and was therefore a candidate for classification through an automated scoring system. Utilizing variant allele frequency, disease prevalence and penetrance estimates, and inheritance mode, an automated score was calculated to assess if this variant is too frequent to cause the disease. Based on the score and internal cut-off values, a variant classified as benign is not then subjected to further curation. The score for this variant resulted in a classification of benign for this disease.

Ambry Genetics
Classification: Likely benign for Cardiovascular phenotype. Last evaluated: 2016-01-11. Review status: criteria provided, single submitter. Criteria: Ambry Variant Classification Scheme 2023. Collection method: clinical testing. Allele origin: germline.

GeneDx
Classification: Benign. Last evaluated: 2015-03-03. Review status: criteria provided, single submitter. Criteria: GeneDx Variant Classification Process June 2021. Collection method: clinical testing. Allele origin: germline. Affected: yes.

Laboratory for Molecular Medicine, Mass General Brigham Personalized Medicine
Classification: Likely benign. Last evaluated: 2014-03-19. Review status: criteria provided, single submitter. Criteria: LMM Criteria. Collection method: clinical testing. Allele origin: germline. Observed: 1 variant allele.
Comment: Ser68Ser in exon 2 of CAV3: This variant is not expected to have clinical signif icance because it does not alter an amino acid residue and is not located within the splice consensus sequence. It has been identified in 0.6% (1/178) of Japane se chromosomes from a broad population by the 1000 Genomes Project (dbSNP rs116840775).

PreventionGenetics, part of Exact Sciences
Classification: Likely benign for CAV3-related condition. Last evaluated: 2019-03-27. Review status: no assertion criteria provided. Collection method: clinical testing. Allele origin: germline. Not counted in ClinVar's aggregate classification.
Comment: This variant is classified as likely benign based on ACMG/AMP sequence variant interpretation guidelines (Richards et al. 2015 PMID: 25741868, with internal and published modifications).

Leiden Muscular Dystrophy (CAV3)
No classification provided. Last evaluated: 2012-04-15. Review status: no classification provided. Collection method: curation. Allele origin: germline. Not counted in ClinVar's aggregate classification.

Clinical Genetics, Academic Medical Center
Classification: Benign. Review status: no assertion criteria provided. Collection method: clinical testing. Allele origin: germline. Affected: yes. Study: VKGL Data-share Consensus. Not counted in ClinVar's aggregate classification.

Diagnostic Laboratory, Department of Genetics, University Medical Center Groningen
Classification: Likely benign. Review status: no assertion criteria provided. Collection method: clinical testing. Allele origin: germline. Affected: yes. Study: VKGL Data-share Consensus. Not counted in ClinVar's aggregate classification.

Genome Diagnostics Laboratory, University Medical Center Utrecht
Classification: Likely benign. Review status: no assertion criteria provided. Collection method: clinical testing. Allele origin: germline. Affected: yes. Study: VKGL Data-share Consensus. Not counted in ClinVar's aggregate classification.

Joint Genome Diagnostic Labs from Nijmegen and Maastricht, Radboudumc and MUMC+
Classification: Likely benign. Review status: no assertion criteria provided. Collection method: clinical testing. Allele origin: germline. Affected: yes. Study: VKGL Data-share Consensus. Not counted in ClinVar's aggregate classification.

Laboratory of Diagnostic Genome Analysis, Leiden University Medical Center (LUMC)
Classification: Likely benign. Review status: no assertion criteria provided. Collection method: clinical testing. Allele origin: germline. Affected: yes. Study: VKGL Data-share Consensus. Not counted in ClinVar's aggregate classification.

Literature cited by the submitters: PubMed 14672715 (cited by Athena Diagnostics).